The following is an entry in ClinVar:

NM_005476.7(GNE):c.5A>G (p.Glu2Gly)

Gene: GNE (glucosamine (UDP-N-acetyl)-2-epimerase/N-acetylmannosamine kinase; minus strand). Cytogenetic location: 9p13.3.
Variant type: single nucleotide variant.
Coding change: c.5A>G on transcript NM_005476.7 (MANE Select); coding-DNA position 5, A replaced by G.
Protein change: p.Glu2Gly; replaces glutamic acid 2 with glycine.
Molecular consequence: missense variant. On other transcripts: intron variant (3).
Genome position (GRCh38, 1-based): chr9:36,249,351, T>C on the plus strand (A>G on the coding strand, the complement: GNE is on the minus strand). VCF-style: chr9-36249351-T-C. GRCh37 (hg19) VCF-style: chr9-36249348-T-C.
Other names: c.98A>G, p.Glu33Gly (NM_001128227.3); c.5A>G, p.Glu2Gly (NM_001190383.3, NM_001374797.1); c.-13-2869A>G (NM_001190388.2, NM_001190384.3, NM_001374798.1); c.98A>G (NM_001128227.2); short protein forms E2G, E33G.
Identifiers: ClinVar variation 872017 (VCV000872017.53), dbSNP rs1830025657, ClinGen allele CA373422267.

ClinVar aggregate classification (germline): Pathogenic/Likely pathogenic. Review status: criteria provided, multiple submitters, no conflicts (2 of 4 stars). 6 submissions from 6 submitters: Pathogenic (3); Likely pathogenic (3). Last evaluated 2025-07-10.

Conditions:
GNE myopathy (NM). Also called: IBM 2; Inclusion body myopathy autosomal recessive; Inclusion body myopathy quadriceps sparing; INCLUSION BODY MYOPATHY, HEREDITARY, AUTOSOMAL RECESSIVE; INCLUSION BODY MYOPATHY 2, AUTOSOMAL RECESSIVE; MYOPATHY, DISTAL, WITH OR WITHOUT RIMMED VACUOLES. Identifiers: Orphanet 602, MedGen C1853926, MONDO:0011603, OMIM 605820.
Sialuria. Also called: Sialic Acid Storage Disease; SIALURIA, FRENCH TYPE. Identifiers: Orphanet 3166, MedGen C0342853, MONDO:0010028, OMIM 269921.

Allele frequency attached by ClinVar (database versions not stated): gnomAD exomes below 0.00001.
gnomAD v4.1: 5 of 1,613,692 alleles (0.00031%); highest among the groups gnomAD compares: South Asian, 0.0022%; no homozygotes.

Submissions (6):

Natera, Inc.
Classification: Likely pathogenic for Nonaka myopathy. Last evaluated: 2025-07-10. Review status: criteria provided, single submitter. Criteria: Natera Variant Classification Schema (03/2026). Collection method: clinical testing. Allele origin: germline.
Comment: The c.98A>G variant in GNE is a missense variant predicted to cause substitution of glutamic acid to glycine at amino acid 33. This variant is rare in the general population with a frequency below the threshold expected for the associated phenotype(s). This variant has been observed in one or more individuals affected with the associated recessive disease, as either homozygous or compound heterozygous with a second variant (PMID: 31167812, 20644153, 20059379). Additionally, this variant has been observed to segregate in affected family members (PMID: 31167812). Computational prediction algorithms indicate this variant is likely to affect gene or protein function. Given the available evidence, this variant is classified as Likely Pathogenic.

Revvity Omics, Revvity
Classification: Likely pathogenic. Last evaluated: 2023-11-16. Review status: criteria provided, single submitter. Criteria: ACMG Guidelines, 2015. Collection method: clinical testing. Allele origin: germline.

Baylor Genetics
Classification: Pathogenic for GNE myopathy. Last evaluated: 2023-10-23. Review status: criteria provided, single submitter. Criteria: ACMG Guidelines, 2015. Collection method: clinical testing. Allele origin: unknown.

Labcorp Genetics (formerly Invitae), Labcorp
Classification: Pathogenic for Sialuria; GNE myopathy. Last evaluated: 2023-05-31. Review status: criteria provided, single submitter. Criteria: Invitae Variant Classification Sherloc (09022015). Collection method: clinical testing. Allele origin: germline.
Comment: This variant is not present in population databases (gnomAD no frequency). This missense change has been observed in individual(s) with clinical features of distal myopathy (PMID: 20059379, 22231866, 31167812). In at least one individual the data is consistent with being in trans (on the opposite chromosome) from a pathogenic variant. It has also been observed to segregate with disease in related individuals. This variant is also known as c.5A>G (p.Glu2Gly). This sequence change replaces glutamic acid, which is acidic and polar, with glycine, which is neutral and non-polar, at codon 33 of the GNE protein (p.Glu33Gly). ClinVar contains an entry for this variant (Variation ID: 872017). Advanced modeling of protein sequence and biophysical properties (such as structural, functional, and spatial information, amino acid conservation, physicochemical variation, residue mobility, and thermodynamic stability) has been performed at Invitae for this missense variant, however the output from this modeling did not meet the statistical confidence thresholds required to predict the impact of this variant on GNE protein function. For these reasons, this variant has been classified as Pathogenic.

Institute of Medical Genetics and Applied Genomics, University Hospital Tübingen
Classification: Likely pathogenic. Last evaluated: 2020-10-23. Review status: criteria provided, single submitter. Criteria: ACMG Guidelines, 2015. Collection method: clinical testing. Allele origin: germline. Inheritance: Unknown mechanism. Affected: yes.

CeGaT Center for Human Genetics Tuebingen
Classification: Pathogenic. Last evaluated: 2019-12-01. Review status: criteria provided, single submitter. Criteria: CeGaT Center For Human Genetics Tuebingen Variant Classification Criteria Version 2. Collection method: clinical testing. Allele origin: germline. Affected: yes. Observed: 2 variant alleles.

Literature cited by the submitters: PubMed 31167812 (cited by Natera, Inc. and Labcorp Genetics (formerly Invitae), Labcorp); PubMed 20644153 (cited by Natera, Inc.); PubMed 20059379 (cited by Natera, Inc. and Labcorp Genetics (formerly Invitae), Labcorp); PubMed 22231866 (cited by Labcorp Genetics (formerly Invitae), Labcorp).